The following is an entry in ClinVar:

ClinVar aggregate classification (germline): Benign. Review status: criteria provided, single submitter (1 of 4 stars). 2 submissions from 1 submitter: Benign (2). Last evaluated 2018-01-12.

Conditions:
Parietal foramina 1 (PFM1). Also called: FORAMINA PARIETALIA PERMAGNA; PARIETAL FORAMINA, SYMMETRIC. Identifiers: Orphanet 60015, MedGen C1868599, MONDO:0008197, OMIM 168500.
Craniosynostosis 2 (CRS2). Also called: Warman-Mulliken-Hayward syndrome; Craniosynostosis Warman type; Craniosynostosis Boston type. Identifiers: Orphanet 1541, MedGen C1858160, MONDO:0011481, OMIM 604757.

Allele frequency attached by ClinVar (database versions not stated): gnomAD exomes 0.03125; gnomAD 0.03348 and 0.03436; TOPMed 0.03792; 1000 Genomes Project 0.05072; 1000 Genomes Project 30x 0.05356.
gnomAD v4.1: 5,050 of 151,954 alleles (3.3%); highest among the groups gnomAD compares: African/African-American, 11%; 232 homozygotes.

Submissions (2):

Illumina Laboratory Services, Illumina
Classification: Benign for Parietal foramina 1. Last evaluated: 2018-01-12. Review status: criteria provided, single submitter. Criteria: ICSL Variant Classification Criteria 13 December 2019. Collection method: clinical testing. Allele origin: germline.
Comment: This variant was observed in the ICSL laboratory as part of a predisposition screen in an ostensibly healthy population. It had not been previously curated by ICSL or reported in the Human Gene Mutation Database (HGMD: prior to June 1st, 2018), and was therefore a candidate for classification through an automated scoring system. Utilizing variant allele frequency, disease prevalence and penetrance estimates, and inheritance mode, an automated score was calculated to assess if this variant is too frequent to cause the disease. Based on the score and internal cut-off values, a variant classified as benign is not then subjected to further curation. The score for this variant resulted in a classification of benign for this disease.

Illumina Laboratory Services, Illumina
Classification: Benign for Craniosynostosis 2. Last evaluated: 2018-01-12. Review status: criteria provided, single submitter. Criteria: ICSL Variant Classification Criteria 13 December 2019. Collection method: clinical testing. Allele origin: germline.
Comment: the same text as in the submission from Illumina Laboratory Services, Illumina above.

NM_002449.5(MSX2):c.*658C>T

Gene: MSX2 (msh homeobox 2; plus strand). Cytogenetic location: 5q35.2.
Variant type: single nucleotide variant.
Coding change: c.*658C>T on transcript NM_002449.5 (MANE Select); 658 bases downstream of the stop codon, C replaced by T.
Molecular consequence: 3 prime UTR variant.
Genome position (GRCh38, 1-based): chr5:174,730,241, C>T. VCF-style: chr5-174730241-C-T. GRCh37 (hg19) VCF-style: chr5-174157244-C-T.
Other names: c.*1086C>T (NM_001363626.2).
Identifiers: ClinVar variation 352854 (VCV000352854.5), dbSNP rs10044147, ClinGen allele CA10624216.
Genomic context (GRCh38, chr5:174,730,241, plus strand): 5'-CCTCTTTATATACTACAGTTGTTCCTATCTCTCCCCCGCCCCCCACCGCCCCACCACACA[C>T]ATATTTTTAAAGTTTTTCCTTTTTTAAGAATATTTTTGTAAGACCAATACCTGGGATGAG-3'